The following is an entry in ClinVar:

ClinVar aggregate classification (germline): Pathogenic (1 of 4 stars; one submission).

Submission:

Quest Diagnostics Nichols Institute San Juan Capistrano
Classification: Pathogenic. Last evaluated: 2024-03-28. Review status: criteria provided, single submitter. Criteria: ACMG/ClinGen CNV Guidelines, 2019. Collection method: clinical testing. Allele origin: unknown.
Comment: This loss involves genes UBE2A (OMIM 312180) and UPF3B (OMIM 300298), haploinsufficiency of which are associated with the Nascimento form of syndromic X-linked intellectual disability (MRXSN; OMIM 300860; HGNC:12472), and with X-linked syndromic intellectual developmental disorder 14 (MRXS14; OMIM 300676; HGNC:20439), respectively. Deletions within or similar to the current interval have been described in males with additional phenotypes (Thunstrom 2015, Tolmacheva 2020). Thus, this copy number variant (CNV) is classified as pathogenic. References: Thunstrom et al., Am J Med Genet A. 2015 Jan;167A(1):204-10. PMID: 25287747; Tolmacheva et al., Cytogenet Genome Res. 2020;160(5):245-254. PMID: 32485717

GRCh37/hg19 Xq24(chrX:118660849-119137904)x1

Genes: AKAP14 (A-kinase anchoring protein 14; plus strand), NDUFA1 (NADH:ubiquinone oxidoreductase subunit A1; plus strand), NKAP (NFKB activating protein; minus strand), NKRF (NFKB repressing factor; minus strand), RNF113A (ring finger protein 113A; minus strand) and 6 more. Cytogenetic location: Xq24.
Variant type: copy number loss.
Change: copy number 1 of chrX:118,660,849-119,137,904 (477.1 kb, GRCh37 coordinates, 1-based), cytogenetic band Xq24.
Identifiers: ClinVar variation 3391959 (VCV003391959.1).